The following is an entry in ClinVar:

ClinVar aggregate classification (germline): Uncertain significance (1 of 4 stars; one submission).

gnomAD v4.1: 16 of 1,610,522 alleles (0.00099%); highest among the groups gnomAD compares: Non-Finnish European, 0.0013%; no homozygotes.

Submission:

Labcorp Genetics (formerly Invitae), Labcorp
Classification: Uncertain significance. Last evaluated: 2025-09-17. Review status: criteria provided, single submitter. Criteria: Invitae Variant Classification Sherloc (09022015). Collection method: clinical testing. Allele origin: germline.
Comment: This sequence change replaces aspartic acid, which is acidic and polar, with asparagine, which is neutral and polar, at codon 212 of the PSMG2 protein (p.Asp212Asn). This variant is not present in population databases (gnomAD no frequency). This variant has not been reported in the literature in individuals affected with PSMG2-related conditions. ClinVar contains an entry for this variant (Variation ID: 1400410). An algorithm developed to predict the effect of missense changes on protein structure and function (PolyPhen-2) suggests that this variant is likely to be disruptive. In summary, the available evidence is currently insufficient to determine the role of this variant in disease. Therefore, it has been classified as a Variant of Uncertain Significance.

NM_020232.5(PSMG2):c.634G>A (p.Asp212Asn)

Gene: PSMG2 (proteasome assembly chaperone 2; plus strand). Cytogenetic location: 18p11.21.
Variant type: single nucleotide variant.
Coding change: c.634G>A on transcript NM_020232.5 (MANE Select); coding-DNA position 634, G replaced by A.
Protein change: p.Asp212Asn; replaces aspartic acid 212 with asparagine.
Molecular consequence: missense variant.
Genome position (GRCh38, 1-based): chr18:12,724,551, G>A. VCF-style: chr18-12724551-G-A. GRCh37 (hg19) VCF-style: chr18-12724550-G-A.
Other names: c.541G>A, p.Asp181Asn (NM_147163.2); short protein forms D181N, D212N.
Identifiers: ClinVar variation 1400410 (VCV001400410.6), dbSNP rs780141358, ClinGen allele CA401970644.